The following is an entry in ClinVar:

NM_016816.4(OAS1):c.707C>T (p.Thr236Met)

Gene: OAS1 (2'-5'-oligoadenylate synthetase 1; plus strand). Cytogenetic location: 12q24.13.
Variant type: single nucleotide variant.
Coding change: c.707C>T on transcript NM_016816.4 (MANE Select); coding-DNA position 707, C replaced by T.
Protein change: p.Thr236Met; replaces threonine 236 with methionine.
Molecular consequence: missense variant.
Genome position (GRCh38, 1-based): chr12:112,916,561, C>T. VCF-style: chr12-112916561-C-T. GRCh37 (hg19) VCF-style: chr12-113354366-C-T.
Other names: c.707C>T, p.Thr236Met (NM_001032409.3, NM_001320151.2, NM_002534.4); short protein forms T236M.
Identifiers: ClinVar variation 1518322 (VCV001518322.5), dbSNP rs926919343, ClinGen allele CA243752379.

ClinVar aggregate classification (germline): Uncertain significance (1 of 4 stars; one submission).

Allele frequency attached by ClinVar (database versions not stated): TOPMed 0.00002; gnomAD exomes 0.00003 and 0.00004.
gnomAD v4.1: 54 of 1,613,998 alleles (0.0033%); highest among the groups gnomAD compares: Non-Finnish European, 0.004%; no homozygotes.

Submission:

Labcorp Genetics (formerly Invitae), Labcorp
Classification: Uncertain significance. Last evaluated: 2025-04-28. Review status: criteria provided, single submitter. Criteria: Invitae Variant Classification Sherloc (09022015). Collection method: clinical testing. Allele origin: germline.
Comment: This sequence change replaces threonine, which is neutral and polar, with methionine, which is neutral and non-polar, at codon 236 of the OAS1 protein (p.Thr236Met). This variant is present in population databases (no rsID available, gnomAD 0.006%). This variant has not been reported in the literature in individuals affected with OAS1-related conditions. ClinVar contains an entry for this variant (Variation ID: 1518322). An algorithm developed to predict the effect of missense changes on protein structure and function (PolyPhen-2) suggests that this variant is likely to be disruptive. In summary, the available evidence is currently insufficient to determine the role of this variant in disease. Therefore, it has been classified as a Variant of Uncertain Significance.